The following is an entry in ClinVar:

NM_031418.4(ANO3):c.2449G>A (p.Glu817Lys)

Gene: ANO3 (anoctamin 3; plus strand). Cytogenetic location: 11p14.2.
Variant type: single nucleotide variant.
Coding change: c.2449G>A on transcript NM_031418.4 (MANE Select); coding-DNA position 2449, G replaced by A.
Protein change: p.Glu817Lys; replaces glutamic acid 817 with lysine.
Molecular consequence: missense variant.
Genome position (GRCh38, 1-based): chr11:26,647,729, G>A. VCF-style: chr11-26647729-G-A. GRCh37 (hg19) VCF-style: chr11-26669276-G-A.
Other names: c.2632G>A, p.Glu878Lys (NM_001313726.2); c.2011G>A, p.Glu671Lys (NM_001313727.2); short protein forms E671K, E817K, E878K.
Identifiers: ClinVar variation 1328581 (VCV001328581.4), dbSNP rs1393695079, ClinGen allele CA379939262.
Genomic context (GRCh38, chr11:26,647,729, plus strand): 5'-CTTCATTTTTGTTCACCATGATTAATCTTTCTCTTACCAGGTATCTGGCTTGGAATTCTC[G>A]AAGGAATCGGTATATTGGCTGTGATCACCAATGCATTTGTAATTGCTATTACTTCTGATT-3'
Protein context (NP_113606.2, residues 807-827): TDIGIWLGIL[Glu817Lys]GIGILAVITN

ClinVar aggregate classification (germline): Uncertain significance. Review status: criteria provided, multiple submitters, no conflicts (2 of 4 stars). 2 submissions from 2 submitters: Uncertain significance (2). Last evaluated 2024-09-30.

Conditions:
Dystonic disorder. Also called: Dystonia. Identifiers: MedGen C0013421, MONDO:0003441, HP:0001332.

Allele frequency attached by ClinVar (database versions not stated): gnomAD exomes below 0.00001; TOPMed below 0.00001; gnomAD 0.00001.
gnomAD v4.1: 7 of 1,605,150 alleles (0.00044%); highest among the groups gnomAD compares: South Asian, 0.0011%; no homozygotes.

Submissions (2):

Labcorp Genetics (formerly Invitae), Labcorp
Classification: Uncertain significance for Dystonic disorder. Last evaluated: 2024-09-30. Review status: criteria provided, single submitter. Criteria: Invitae Variant Classification Sherloc (09022015). Collection method: clinical testing. Allele origin: germline.
Comment: This sequence change replaces glutamic acid, which is acidic and polar, with lysine, which is basic and polar, at codon 817 of the ANO3 protein (p.Glu817Lys). This variant is present in population databases (no rsID available, gnomAD 0.002%). This variant has not been reported in the literature in individuals affected with ANO3-related conditions. ClinVar contains an entry for this variant (Variation ID: 1328581). Invitae Evidence Modeling of protein sequence and biophysical properties (such as structural, functional, and spatial information, amino acid conservation, physicochemical variation, residue mobility, and thermodynamic stability) indicates that this missense variant is not expected to disrupt ANO3 protein function with a negative predictive value of 80%. In summary, the available evidence is currently insufficient to determine the role of this variant in disease. Therefore, it has been classified as a Variant of Uncertain Significance.

GeneDx
Classification: Uncertain significance. Last evaluated: 2021-06-16. Review status: criteria provided, single submitter. Criteria: GeneDx Variant Classification Process June 2021. Collection method: clinical testing. Allele origin: germline. Affected: yes.
Comment: Not observed at significant frequency in large population cohorts (Lek et al., 2016); In silico analysis supports that this missense variant does not alter protein structure/function; Has not been previously published as pathogenic or benign to our knowledge; This variant is associated with the following publications: (PMID: 27535533)